The following is an entry in ClinVar:

NM_020778.5(ALPK3):c.821T>A (p.Val274Glu)

Gene: ALPK3 (alpha kinase 3; plus strand). Cytogenetic location: 15q25.3.
Variant type: single nucleotide variant.
Coding change: c.821T>A on transcript NM_020778.5 (MANE Select); coding-DNA position 821, T replaced by A.
Protein change: p.Val274Glu; replaces valine 274 with glutamic acid.
Molecular consequence: missense variant.
Genome position (GRCh38, 1-based): chr15:84,840,100, T>A. VCF-style: chr15-84840100-T-A. GRCh37 (hg19) VCF-style: chr15-85383331-T-A.
Other names: short protein forms V274E.
Identifiers: ClinVar variation 4768495 (VCV004768495.1).

ClinVar aggregate classification (germline): Uncertain significance (1 of 4 stars; one submission).

gnomAD v4.1: 2 of 1,613,944 alleles (0.00012%); highest among the groups gnomAD compares: Non-Finnish European, 0.00017%; no homozygotes.

Submission:

Labcorp Genetics (formerly Invitae), Labcorp
Classification: Uncertain significance. Last evaluated: 2025-09-05. Review status: criteria provided, single submitter. Criteria: Invitae Variant Classification Sherloc (09022015). Collection method: clinical testing. Allele origin: germline.
Comment: This sequence change replaces valine, which is neutral and non-polar, with glutamic acid, which is acidic and polar, at codon 476 of the ALPK3 protein (p.Val476Glu). This variant is present in population databases (rs770625063, gnomAD 0.002%). This variant has not been reported in the literature in individuals affected with ALPK3-related conditions. An algorithm developed to predict the effect of missense changes on protein structure and function (PolyPhen-2) suggests that this variant is likely to be disruptive. In summary, the available evidence is currently insufficient to determine the role of this variant in disease. Therefore, it has been classified as a Variant of Uncertain Significance.